The following is an entry in ClinVar:

NM_000295.5(SERPINA1):c.*1555C>T

Gene: SERPINA1 (serpin family A member 1; minus strand). Cytogenetic location: 14q32.13.
Variant type: single nucleotide variant.
Coding change: c.*1555C>T on transcript NM_000295.5 (MANE Select); 1555 bases downstream of the stop codon, C replaced by T.
Molecular consequence: 3 prime UTR variant.
Genome position (GRCh38, 1-based): chr14:94,376,894, G>A on the plus strand (C>T on the coding strand, the complement: SERPINA1 is on the minus strand). VCF-style: chr14-94376894-G-A. GRCh37 (hg19) VCF-style: chr14-94843231-G-A.
Other names: c.*1555C>T (NM_001002235.3, NM_001002236.3, NM_001127700.2 and 7 more transcripts).
Identifiers: ClinVar variation 314996 (VCV000314996.5), dbSNP rs56325294, ClinGen allele CA10635572.
Genomic context (GRCh38, chr14:94,376,894, plus strand): 5'-AGGTCTTACTAGCAATGACTGGGGCTCAGAGAGGTTTGGCGACTTCACGAAGGTCACACA[G>A]CTGTCAGGGGGAAAAGTCAGAACTTGGATCCAGGTCTTCAGACTCTCAGGTCTGGTGTCA-3'

ClinVar aggregate classification (germline): Likely benign (1 of 4 stars; one submission).

Conditions:
Alpha-1-antitrypsin deficiency (A1ATD). Also called: Alpha1-Antitrypsin Deficiency; AAT deficiency; A1AT deficiency. Identifiers: Orphanet 60, MedGen C0221757, MONDO:0013282, OMIM 613490.

Allele frequency attached by ClinVar (database versions not stated): gnomAD 0.03366 and 0.03636; 1000 Genomes Project 0.03594; TOPMed 0.03828; 1000 Genomes Project 30x 0.03888.

Submission:

Illumina Laboratory Services, Illumina
Classification: Likely benign for Alpha-1-antitrypsin deficiency. Last evaluated: 2018-01-12. Review status: criteria provided, single submitter. Criteria: ICSL Variant Classification Criteria 13 December 2019. Collection method: clinical testing. Allele origin: germline.
Comment: This variant was observed in the ICSL laboratory as part of a predisposition screen in an ostensibly healthy population. It had not been previously curated by ICSL or reported in the Human Gene Mutation Database (HGMD: prior to June 1st, 2018), and was therefore a candidate for classification through an automated scoring system. Utilizing variant allele frequency, disease prevalence and penetrance estimates, and inheritance mode, an automated score was calculated to assess if this variant is too frequent to cause the disease. Based on the score and internal cut-off values, a variant classified as likely benign is not then subjected to further curation. The score for this variant resulted in a classification of likely benign for this disease.